The following is an entry in ClinVar:

NM_024598.4(USB1):c.539C>T (p.Ala180Val)

Gene: USB1 (U6 snRNA biogenesis phosphodiesterase 1; plus strand). Cytogenetic location: 16q21.
Variant type: single nucleotide variant.
Coding change: c.539C>T on transcript NM_024598.4 (MANE Select); coding-DNA position 539, C replaced by T.
Protein change: p.Ala180Val; replaces alanine 180 with valine.
Molecular consequence: missense variant.
Genome position (GRCh38, 1-based): chr16:58,017,369, C>T. VCF-style: chr16-58017369-C-T. GRCh37 (hg19) VCF-style: chr16-58051273-C-T.
Other names: c.485C>T, p.Ala162Val (NM_001195302.2); c.386C>T, p.Ala129Val (NM_001330568.2); short protein forms A129V, A162V, A180V.
Identifiers: ClinVar variation 1938216 (VCV001938216.5), dbSNP rs1963641569, ClinGen allele CA396129920.

ClinVar aggregate classification (germline): Uncertain significance (1 of 4 stars; one submission).

Allele frequency attached by ClinVar (database versions not stated): TOPMed below 0.00001.

Submission:

Labcorp Genetics (formerly Invitae), Labcorp
Classification: Uncertain significance. Last evaluated: 2026-01-13. Review status: criteria provided, single submitter. Criteria: Invitae Variant Classification Sherloc (09022015). Collection method: clinical testing. Allele origin: germline.
Comment: This sequence change replaces alanine, which is neutral and non-polar, with valine, which is neutral and non-polar, at codon 180 of the USB1 protein (p.Ala180Val). This variant is not present in population databases (gnomAD no frequency). This variant has not been reported in the literature in individuals affected with USB1-related conditions. ClinVar contains an entry for this variant (Variation ID: 1938216). Invitae Evidence Modeling of protein sequence and biophysical properties (such as structural, functional, and spatial information, amino acid conservation, physicochemical variation, residue mobility, and thermodynamic stability) indicates that this missense variant is not expected to disrupt USB1 protein function with a negative predictive value of 80%. In summary, the available evidence is currently insufficient to determine the role of this variant in disease. Therefore, it has been classified as a Variant of Uncertain Significance.